The following is an entry in ClinVar:

NM_194318.4(B3GLCT):c.348T>C (p.His116=)

Gene: B3GLCT (beta 3-glucosyltransferase; plus strand). Cytogenetic location: 13q12.3.
Variant type: single nucleotide variant.
Coding change: c.348T>C on transcript NM_194318.4 (MANE Select); coding-DNA position 348, T replaced by C.
Protein change: p.His116=; no amino-acid change (histidine 116 retained).
Molecular consequence: synonymous variant.
Genome position (GRCh38, 1-based): chr13:31,247,855, T>C. VCF-style: chr13-31247855-T-C. GRCh37 (hg19) VCF-style: chr13-31821992-T-C.
Other names: p.His116=.
Identifiers: ClinVar variation 96628 (VCV000096628.29), dbSNP rs4943266, ClinGen allele CA149630.

ClinVar aggregate classification (germline): Benign. Review status: criteria provided, multiple submitters, no conflicts (2 of 4 stars). 12 submissions from 12 submitters: Benign (10). 2 of the submissions do not count toward it. Last evaluated 2026-02-03.

Conditions:
Peters plus syndrome. Also called: KRAUSE-KIVLIN SYNDROME. Identifiers: Orphanet 709, MedGen C0796012, MONDO:0009856, OMIM 261540.

Allele frequency attached by ClinVar (database versions not stated): ESP Exome Variant Server 0.96399; TOPMed 0.96636; gnomAD 0.96681 and 0.96878; 1000 Genomes Project 30x 0.97439; 1000 Genomes Project 0.97544; gnomAD exomes 0.98136 and 0.98402; ExAC 0.98276.
gnomAD v4.1: 1,511,024 of 1,541,690 alleles (98%); highest among the groups gnomAD compares: East Asian, 100%; 740,651 homozygotes.

Submissions (12):

Labcorp Genetics (formerly Invitae), Labcorp
Classification: Benign for Peters plus syndrome. Last evaluated: 2026-02-03. Review status: criteria provided, single submitter. Criteria: Invitae Variant Classification Sherloc (09022015). Collection method: clinical testing. Allele origin: germline.

Blueprint Genetics
Classification: Benign. Last evaluated: 2024-11-27. Review status: criteria provided, single submitter. Criteria: ACMG Guidelines, 2015. Collection method: clinical testing. Allele origin: germline.

Fulgent Genetics
Classification: Benign for Peters plus syndrome. Last evaluated: 2021-08-11. Review status: criteria provided, single submitter. Criteria: ACMG Guidelines, 2015. Collection method: clinical testing. Allele origin: unknown.

Genome-Nilou Lab
Classification: Benign for Peters plus syndrome. Last evaluated: 2021-07-14. Review status: criteria provided, single submitter. Criteria: ACMG Guidelines, 2015. Collection method: clinical testing. Allele origin: germline. Affected: no.

GeneDx
Classification: Benign. Last evaluated: 2018-06-14. Review status: criteria provided, single submitter. Criteria: GeneDx Variant Classification (06012015). Collection method: clinical testing. Allele origin: germline. Affected: yes.
Comment: This variant is considered likely benign or benign based on one or more of the following criteria: it is a conservative change, it occurs at a poorly conserved position in the protein, it is predicted to be benign by multiple in silico algorithms, and/or has population frequency not consistent with disease.

Illumina Laboratory Services, Illumina
Classification: Benign for Peters plus syndrome. Last evaluated: 2018-01-13. Review status: criteria provided, single submitter. Criteria: ICSL Variant Classification Criteria 13 December 2019. Collection method: clinical testing. Allele origin: germline.
Comment: This variant was observed in the ICSL laboratory as part of a predisposition screen in an ostensibly healthy population. It had not been previously curated by ICSL or reported in the Human Gene Mutation Database (HGMD: prior to June 1st, 2018), and was therefore a candidate for classification through an automated scoring system. Utilizing variant allele frequency, disease prevalence and penetrance estimates, and inheritance mode, an automated score was calculated to assess if this variant is too frequent to cause the disease. Based on the score and internal cut-off values, a variant classified as benign is not then subjected to further curation. The score for this variant resulted in a classification of benign for this disease.

Mayo Clinic Laboratories, Mayo Clinic
Classification: Benign. Last evaluated: 2017-12-21. Review status: criteria provided, single submitter. Criteria: ACMG Guidelines, 2015. Collection method: clinical testing. Allele origin: germline. Observed: 43 variant alleles.

Eurofins Ntd Llc (ga)
Classification: Benign. Last evaluated: 2015-05-04. Review status: criteria provided, single submitter. Criteria: EGL Classification Definitions 2015. Collection method: clinical testing. Allele origin: germline. Observed: 49 variant alleles, 3 heterozygotes, 46 homozygotes.

Breakthrough Genomics
Classification: Benign. Review status: criteria provided, single submitter. Criteria: ACMG Guidelines, 2015. Collection method: not provided. Allele origin: germline. Inheritance: Autosomal recessive inheritance. Affected: yes.

PreventionGenetics, part of Exact Sciences
Classification: Benign. Review status: criteria provided, single submitter. Criteria: ACMG Guidelines, 2015. Collection method: clinical testing. Allele origin: germline.

Diagnostic Laboratory, Department of Genetics, University Medical Center Groningen
Classification: Benign. Review status: no assertion criteria provided. Collection method: clinical testing. Allele origin: germline. Affected: yes. Study: VKGL Data-share Consensus. Not counted in ClinVar's aggregate classification.

Joint Genome Diagnostic Labs from Nijmegen and Maastricht, Radboudumc and MUMC+
Classification: Benign. Review status: no assertion criteria provided. Collection method: clinical testing. Allele origin: germline. Affected: yes. Study: VKGL Data-share Consensus. Not counted in ClinVar's aggregate classification.